The following is an entry in ClinVar:

NM_001278512.2(AP3B2):c.2132A>G (p.Asp711Gly)

Genes: AP3B2 (adaptor related protein complex 3 subunit beta 2; minus strand), CPEB1-AS1 (CPEB1 antisense RNA 1; plus strand). Cytogenetic location: 15q25.2.
Variant type: single nucleotide variant.
Coding change: c.2132A>G on transcript NM_001278512.2 (MANE Select); coding-DNA position 2132, A replaced by G.
Protein change: p.Asp711Gly; replaces aspartic acid 711 with glycine.
Molecular consequence: missense variant.
Genome position (GRCh38, 1-based): chr15:82,664,840, T>C on the plus strand (A>G on the coding strand, the complement: AP3B2 is on the minus strand). VCF-style: chr15-82664840-T-C. GRCh37 (hg19) VCF-style: chr15-83333592-T-C.
Other names: c.1979A>G, p.Asp660Gly (NM_001278511.2); c.2075A>G, p.Asp692Gly (NM_004644.5); short protein forms D692G, D660G, D711G.
Identifiers: ClinVar variation 2764245 (VCV002764245.3), dbSNP rs2548697913, ClinGen allele CA393312107.

ClinVar aggregate classification (germline): Uncertain significance (1 of 4 stars; one submission).

Submission:

Labcorp Genetics (formerly Invitae), Labcorp
Classification: Uncertain significance. Last evaluated: 2023-09-29. Review status: criteria provided, single submitter. Criteria: Invitae Variant Classification Sherloc (09022015). Collection method: clinical testing. Allele origin: germline.
Comment: In summary, the available evidence is currently insufficient to determine the role of this variant in disease. Therefore, it has been classified as a Variant of Uncertain Significance. An algorithm developed to predict the effect of missense changes on protein structure and function (PolyPhen-2) suggests that this variant is likely to be disruptive. This variant has not been reported in the literature in individuals affected with AP3B2-related conditions. This variant is not present in population databases (gnomAD no frequency). This sequence change replaces aspartic acid, which is acidic and polar, with glycine, which is neutral and non-polar, at codon 692 of the AP3B2 protein (p.Asp692Gly).